The following is an entry in ClinVar:

ClinVar aggregate classification (germline): Uncertain significance (1 of 4 stars; one submission).

Submission:

GeneDx
Classification: Uncertain significance. Last evaluated: 2025-05-19. Review status: criteria provided, single submitter. Criteria: GeneDx Variant Classification Process June 2021. Collection method: clinical testing. Allele origin: germline. Affected: yes.
Comment: Not observed at significant frequency in large population cohorts (gnomAD); In silico analysis suggests that this missense variant does not alter protein structure/function; Has not been previously published as pathogenic or benign to our knowledge

NM_016333.4(SRRM2):c.4034C>T (p.Thr1345Ile)

Gene: SRRM2 (serine/arginine repetitive matrix 2; plus strand). Cytogenetic location: 16p13.3.
Variant type: single nucleotide variant.
Coding change: c.4034C>T on transcript NM_016333.4 (MANE Select); coding-DNA position 4034, C replaced by T.
Protein change: p.Thr1345Ile; replaces threonine 1345 with isoleucine.
Molecular consequence: missense variant.
Genome position (GRCh38, 1-based): chr16:2,764,562, C>T. VCF-style: chr16-2764562-C-T. GRCh37 (hg19) VCF-style: chr16-2814563-C-T.
Other names: short protein forms T1345I.
Identifiers: ClinVar variation 4531064 (VCV004531064.1).
Genomic context (GRCh38, chr16:2,764,562, plus strand): 5'-ACAGCTTTGGATCACCTTTAGAATTTAGAAACTCAGGCCCACTTGGTACAGAAATGAATA[C>T]TGGATTTTCTTCTGAGGTTAAAGAAGATTTGAATGGACCGTTTCTTAATCAGCTGGAAAC-3'
Protein context (NP_057417.3, residues 1335-1355): NSGPLGTEMN[Thr1345Ile]GFSSEVKEDL